The following is an entry in ClinVar:

ClinVar aggregate classification (germline): Uncertain significance (1 of 4 stars; one submission).

Submission:

Dasa
Classification: Uncertain significance. Last evaluated: 2026-02-01. Review status: criteria provided, single submitter. Criteria: DASA Assertion Criteria. Collection method: clinical testing. Allele origin: germline.
Comment: NM_004463.3(FGD1):c.2856dup (p.Glu953Argfs*24) is a frameshift variant in FGD1 predicted to alter the reading frame and introduce a premature termination codon. This variant is rare in population databases. The currently available literature and clinical evidence are not sufficient to establish a definitive association between this variant and the reported condition. Therefore, this variant is classified as a variant of uncertain significance.

NM_004463.3(FGD1):c.2856dup (p.Glu953fs)

Genes: FGD1 (FYVE, RhoGEF and PH domain containing 1; minus strand), TSR2 (TSR2 ribosome maturation factor; plus strand). Cytogenetic location: Xp11.22.
Variant type: Duplication.
Coding change: c.2856dup on transcript NM_004463.3 (MANE Select); coding-DNA position 2856, one base duplicated (C; older notation c.2856dupC).
Protein change: p.Glu953fs; shifts the reading frame from glutamic acid 953.
Molecular consequence: frameshift variant. On other transcripts: 3 prime UTR variant (5).
Genome position (GRCh38, 1-based): chrX:54,446,139, G duplicated on the plus strand (C on the coding strand, the reverse complement: FGD1 is on the minus strand); the first of 6 consecutive G bases (chrX:54,446,139-54,446,144); duplicating any one gives the same sequence. VCF-style (leftmost placement, unchanged base first): chrX-54446138-C-CG. GRCh37 (hg19) VCF-style: chrX-54472571-C-CG.
Other names: c.*1594dup (NM_001346789.2, NM_001346790.2, NM_001346791.2 and 2 more transcripts); short protein forms E953fs.
Identifiers: ClinVar variation 4886273 (VCV004886273.2).